The following is an entry in ClinVar:

NM_207346.3(TSEN54):c.1415G>A (p.Arg472Gln)

Gene: TSEN54 (tRNA splicing endonuclease subunit 54; plus strand). Cytogenetic location: 17q25.1.
Variant type: single nucleotide variant.
Coding change: c.1415G>A on transcript NM_207346.3 (MANE Select); coding-DNA position 1415, G replaced by A.
Protein change: p.Arg472Gln; replaces arginine 472 with glutamine.
Molecular consequence: missense variant.
Genome position (GRCh38, 1-based): chr17:75,523,764, G>A. VCF-style: chr17-75523764-G-A. GRCh37 (hg19) VCF-style: chr17-73519845-G-A.
Other names: short protein forms R472Q.
Identifiers: ClinVar variation 325094 (VCV000325094.17), dbSNP rs151332020, ClinGen allele CA8764432.
Genomic context (GRCh38, chr17:75,523,764, plus strand): 5'-TTTACCAGGCCGACGCTGTGGCCACATTCCGAAAGAATAACCCTGGCAAACCCTATGCCC[G>A]GATGTGCATTAGTGGGTACGCAGTGAGCCAGCACTGCCCCTCCCCCAGCTGCTGCCAGTT-3'
Protein context (NP_997229.2, residues 462-482): RKNNPGKPYA[Arg472Gln]MCISGFDEPV

ClinVar aggregate classification (germline): Conflicting classifications of pathogenicity. Review status: criteria provided, conflicting classifications (1 of 4 stars). 5 submissions from 5 submitters: Likely pathogenic (1); Uncertain significance (4). Last evaluated 2025-03-28.

Conditions:
TSEN54-related disorder. Also called: TSEN54-related condition.
Pontoneocerebellar hypoplasia. Also called: Pontocerebellar hypoplasia; Non-syndromic pontocerebellar hypoplasia. Identifiers: Orphanet 98523, MedGen C1261175, MONDO:0020135.

Allele frequency attached by ClinVar (database versions not stated): ExAC 0.00001; gnomAD exomes 0.00001; TOPMed 0.00002; gnomAD 0.00003; ESP Exome Variant Server 0.00008.
gnomAD v4.1: 20 of 1,613,692 alleles (0.0012%); highest among the groups gnomAD compares: Middle Eastern, 0.016%; no homozygotes.

Submissions (5):

PreventionGenetics, part of Exact Sciences
Classification: Uncertain significance for TSEN54-related condition. Last evaluated: 2025-03-28. Review status: criteria provided, single submitter. Criteria: ACMG Guidelines, 2015. Collection method: clinical testing. Allele origin: germline.
Comment: The TSEN54 c.1415G>A variant is predicted to result in the amino acid substitution p.Arg472Gln. This variant was reported in an individual with an abnormality of the nervous system; however, no additional clinical details were provided and pathogenicity was not established (Retterer et al 2016. PubMed ID: 26633542). This variant is reported in 0.0023% of alleles in individuals of European (Non-Finnish) descent in gnomAD. Although we suspect that this variant may be pathogenic, at this time, the clinical significance of this variant is uncertain due to the absence of conclusive functional and genetic evidence.

Women's Health and Genetics/Laboratory Corporation of America, LabCorp
Classification: Uncertain significance. Last evaluated: 2025-02-19. Review status: criteria provided, single submitter. Criteria: LabCorp Variant Classification Summary - May 2015. Collection method: clinical testing. Allele origin: germline.
Comment: Variant summary: TSEN54 c.1415G>A (p.Arg472Gln) results in a conservative amino acid change in the encoded protein sequence. Three of five in-silico tools predict a damaging effect of the variant on protein function. The variant allele was found at a frequency of 8e-06 in 250682 control chromosomes. The available data on variant occurrences in the general population are insufficient to allow any conclusion about variant significance. c.1415G>A has been reported in an unknown state in the literature in at least 1 individual in a cohort with abnormality of the nervous system (example, Retterer_2016), without strong evidence for causality. These report(s) do not provide unequivocal conclusions about association of the variant with Pontocerebellar Hypoplasia. To our knowledge, no experimental evidence demonstrating an impact on protein function has been reported. The following publication has been ascertained in the context of this evaluation (PMID: 26633542). ClinVar contains an entry for this variant (Variation ID: 325094). Based on the evidence outlined above, the variant was classified as uncertain significance.

GeneDx
Classification: Likely pathogenic. Last evaluated: 2023-08-02. Review status: criteria provided, single submitter. Criteria: GeneDx Variant Classification Process June 2021. Collection method: clinical testing. Allele origin: germline. Affected: yes.
Comment: Not observed at significant frequency in large population cohorts (gnomAD); In silico analysis supports that this missense variant does not alter protein structure/function; This variant is associated with the following publications: (PMID: 26633542)

Illumina Laboratory Services, Illumina
Classification: Uncertain significance for Pontoneocerebellar hypoplasia. Last evaluated: 2018-01-13. Review status: criteria provided, single submitter. Criteria: ICSL Variant Classification Criteria 13 December 2019. Collection method: clinical testing. Allele origin: germline.

Eurofins Ntd Llc (ga)
Classification: Uncertain significance. Last evaluated: 2016-10-27. Review status: criteria provided, single submitter. Criteria: EGL Classification Definitions 2015. Collection method: clinical testing. Allele origin: germline. Observed: 1 variant allele, 1 heterozygote.

Literature cited by the submitters: PubMed 26633542 (cited by Women's Health and Genetics/Laboratory Corporation of America, LabCorp).